The following is an entry in ClinVar:

NM_000501.4(ELN):c.1573G>A (p.Ala525Thr)

Genes: ELN (elastin; plus strand), ELN-AS1 (ELN antisense RNA 1; minus strand). Cytogenetic location: 7q11.23.
Variant type: single nucleotide variant.
Coding change: c.1573G>A on transcript NM_000501.4 (MANE Select); coding-DNA position 1573, G replaced by A.
Protein change: p.Ala525Thr; replaces alanine 525 with threonine.
Molecular consequence: missense variant.
Genome position (GRCh38, 1-based): chr7:74,060,044, G>A. VCF-style: chr7-74060044-G-A. GRCh37 (hg19) VCF-style: chr7-73474374-G-A.
Other names: c.1486G>A, p.Ala496Thr (NM_001081752.3); c.1531G>A, p.Ala511Thr (NM_001081753.3); c.1588G>A, p.Ala530Thr (NM_001081754.3); c.1516G>A, p.Ala506Thr (NM_001081755.3); c.1573G>A, p.Ala525Thr (NM_001278912.2); c.1330G>A, p.Ala444Thr (NM_001278913.2); c.1501G>A, p.Ala501Thr (NM_001278914.2); c.1591G>A, p.Ala531Thr (NM_001278915.2); and 4 more; short protein forms A530T, A436T, A444T, A501T, A506T, A492T, A496T, A525T.
Identifiers: ClinVar variation 2484100 (VCV002484100.5), dbSNP rs782520738, ClinGen allele CA4293099.

ClinVar aggregate classification (germline): Uncertain significance. Review status: criteria provided, multiple submitters, no conflicts (2 of 4 stars). 2 submissions from 2 submitters: Uncertain significance (2). Last evaluated 2024-12-24.

Conditions:
Inborn genetic diseases. Identifiers: MedGen C0950123, MeSH D030342.
Supravalvar aortic stenosis (SVAS). Also called: Supravalvar aortic stenosis, Eisenberg type. Identifiers: Orphanet 3193, MedGen C0003499, MONDO:0008504, OMIM 185500, HP:0004381.

Allele frequency attached by ClinVar (database versions not stated): gnomAD 0.00003; ExAC 0.00004; TOPMed 0.00005.
gnomAD v4.1: 13 of 1,614,084 alleles (0.00081%); highest among the groups gnomAD compares: East Asian, 0.027%; no homozygotes.

Submissions (2):

Labcorp Genetics (formerly Invitae), Labcorp
Classification: Uncertain significance for Supravalvar aortic stenosis. Last evaluated: 2024-12-24. Review status: criteria provided, single submitter. Criteria: Invitae Variant Classification Sherloc (09022015). Collection method: clinical testing. Allele origin: germline.
Comment: This sequence change replaces alanine, which is neutral and non-polar, with threonine, which is neutral and polar, at codon 554 of the ELN protein (p.Ala554Thr). This variant is present in population databases (rs782520738, gnomAD 0.06%). This variant has not been reported in the literature in individuals affected with ELN-related conditions. ClinVar contains an entry for this variant (Variation ID: 2484100). Invitae Evidence Modeling of protein sequence and biophysical properties (such as structural, functional, and spatial information, amino acid conservation, physicochemical variation, residue mobility, and thermodynamic stability) indicates that this missense variant is not expected to disrupt ELN protein function with a negative predictive value of 80%. In summary, the available evidence is currently insufficient to determine the role of this variant in disease. Therefore, it has been classified as a Variant of Uncertain Significance.

Ambry Genetics
Classification: Uncertain significance for Inborn genetic diseases. Last evaluated: 2023-02-15. Review status: criteria provided, single submitter. Criteria: Ambry Variant Classification Scheme 2023. Collection method: clinical testing. Allele origin: germline.